The following is an entry in ClinVar:

ClinVar aggregate classification (germline): Likely pathogenic (1 of 4 stars; one submission).

Conditions:
Combined immunodeficiency due to DOCK8 deficiency (HIES2). Also called: HYPER-IgE SYNDROME 2, AUTOSOMAL RECESSIVE, WITH RECURRENT INFECTIONS; HIES autosomal recessive; Hyper-IgE recurrent infection syndrome, autosomal recessive; HYPER-IgE RECURRENT INFECTION SYNDROME 2, AUTOSOMAL RECESSIVE; DOCK8 Deficiency. Identifiers: Orphanet 217390, MedGen C4722305, MONDO:0009478, OMIM 243700.

Submission:

Neuberg Centre For Genomic Medicine, NCGM
Classification: Likely pathogenic for Combined immunodeficiency due to DOCK8 deficiency. Review status: criteria provided, single submitter. Criteria: ACMG Guidelines, 2015. Collection method: clinical testing. Allele origin: germline. Inheritance: Autosomal recessive inheritance. Affected: yes.
Comment: The frame shift variant c.5455_5458dup (p.Thr1820AsnfsTer6) in DOCK8 gene has not been reported previously as a pathogenic variant nor as a benign variant, to our knowledge. The p.Thr1820AsnfsTer6 variant is novel (not in any individuals) in gnomAD Exomes and 1000 Genomes. This variant causes a frameshift starting with codon Threonine 1820, changes this amino acid to Asparagine residue, and creates a premature Stop codon at position 6 of the new reading frame, denoted p.Thr1820AsnfsTer6. Loss of function variants have been previously reported to be disease causing. For these reasons, this variant has been classified as Likely Pathogenic.

NM_203447.4(DOCK8):c.5455_5458dup (p.Thr1820fs)

Gene: DOCK8 (dedicator of cytokinesis 8; plus strand). Cytogenetic location: 9p24.3.
Variant type: Duplication.
Coding change: c.5455_5458dup on transcript NM_203447.4 (MANE Select); coding-DNA positions 5455 to 5458, 4 bases duplicated (ATTA; older notation c.5455_5458dupATTA).
Protein change: p.Thr1820fs; shifts the reading frame from threonine 1820.
Molecular consequence: frameshift variant.
Genome position (GRCh38, 1-based): chr9:441,974-441,977, ATTA duplicated; duplicating any 4 consecutive bases within chr9:441,973-441,977 gives the same sequence; the c. name uses the placement nearest the transcript's 3' end. VCF-style (leftmost placement, unchanged base first): chr9-441972-C-CAATT. GRCh37 (hg19) VCF-style: chr9-441972-C-CAATT.
Other names: c.5155_5158dup, p.Thr1720fs (NM_001190458.2); c.5251_5254dup, p.Thr1752fs (NM_001193536.2); short protein forms T1720fs, T1752fs, T1820fs.
Identifiers: ClinVar variation 2585629 (VCV002585629.1), dbSNP rs2537436586, ClinGen allele CA2582341979.